The following is an entry in ClinVar:

NC_000007.14:g.(?_116740846)_(116741031_?)del

Gene: MET (MET proto-oncogene, receptor tyrosine kinase; plus strand). Cytogenetic location: 7q31.2.
Variant type: Deletion.
Identifiers: ClinVar variation 1003317 (VCV001003317.7).

ClinVar aggregate classification (germline): Uncertain significance. Review status: criteria provided, single submitter (1 of 4 stars). 2 submissions from 1 submitter: Uncertain significance (2). Last evaluated 2017-12-08.

Conditions:
Renal cell carcinoma. Identifiers: Orphanet 217071, MedGen C0007134, MeSH D002292, MONDO:0005086, HP:0005584.
Papillary renal cell carcinoma type 1 (RCCP1). Also called: RENAL CELL CARCINOMA, PAPILLARY, 1, SOMATIC; Renal adenocarcinoma; Renal cell carcinoma 1; Renal cell carcinoma, somatic. Identifiers: Orphanet 47044, MedGen C1336839, OMIM 605074, HP:0011797.

Submissions (2):

Labcorp Genetics (formerly Invitae), Labcorp
Classification: Uncertain significance for Renal cell carcinoma. Last evaluated: 2017-12-08. Review status: criteria provided, single submitter. Criteria: Invitae Variant Classification Sherloc (09022015). Collection method: clinical testing. Allele origin: germline.
Comment: This variant is an in-frame deletion of the genomic region encompassing exon 5 of the MET gene. It preserves the integrity of the reading frame. This variant has not been reported in the literature in individuals with MET-related disease. Experimental studies and prediction algorithms are not available for this variant, and the functional significance of the deleted amino acids is currently unknown. In summary, the available evidence is currently insufficient to determine the role of this variant in disease. Therefore, it has been classified as a Variant of Uncertain Significance.

Labcorp Genetics (formerly Invitae), Labcorp
Classification: Uncertain significance for Renal cell carcinoma. Last evaluated: 2017-11-21. Review status: criteria provided, single submitter. Criteria: Invitae Variant Classification Sherloc (09022015). Collection method: clinical testing. Allele origin: germline.
Comment: Experimental studies and prediction algorithms are not available for this variant, and the functional significance of the deleted amino acids is currently unknown. In summary, the available evidence is currently insufficient to determine the role of this variant in disease. Therefore, it has been classified as a Variant of Uncertain Significance. This variant has not been reported in the literature in individuals with MET-related disease. This variant is an in-frame deletion of the genomic region encompassing exon 5 of the MET gene. It preserves the integrity of the reading frame.